The following is an entry in ClinVar:

NM_003611.3(OFD1):c.162_166del (p.Ser54fs)

Gene: OFD1 (OFD1 centriole and centriolar satellite protein; plus strand). Cytogenetic location: Xp22.2.
Variant type: Deletion.
Coding change: c.162_166del on transcript NM_003611.3 (MANE Select); coding-DNA positions 162 to 166, 5 bases deleted (TGGAG; older notation c.162_166delTGGAG).
Protein change: p.Ser54fs; shifts the reading frame from serine 54.
Molecular consequence: frameshift variant. On other transcripts: 5 prime UTR variant (1).
Genome position (GRCh38, 1-based): chrX:13,736,528-13,736,532, TGGAG deleted; deleting any 5 consecutive bases within chrX:13,736,525-13,736,532 gives the same sequence; the c. name uses the placement nearest the transcript's 3' end. VCF-style (leftmost placement, unchanged base first): chrX-13736524-TGAGTG-T. GRCh37 (hg19) VCF-style: chrX-13754643-TGAGTG-T.
Other names: c.162_166del, p.Ser54fs (NM_001330209.2); c.-384_-380del (NM_001330210.2); short protein forms S54fs.
Identifiers: ClinVar variation 1810698 (VCV001810698.1), dbSNP rs312262811, ClinGen allele CA343977.

ClinVar aggregate classification (germline): Pathogenic (1 of 4 stars; one submission).

Submission:

GeneDx
Classification: Pathogenic. Last evaluated: 2022-07-06. Review status: criteria provided, single submitter. Criteria: GeneDx Variant Classification Process June 2021. Collection method: clinical testing. Allele origin: germline. Affected: yes.
Comment: Frameshift variant predicted to result in protein truncation or nonsense mediated decay in a gene for which loss of function is a known mechanism of disease; Not observed at significant frequency in large population cohorts (gnomAD); This variant is associated with the following publications: (PMID: 18546297)